The following is an entry in ClinVar:

NM_001382347.1(MYO5A):c.3717C>T (p.Ala1239=)

Gene: MYO5A (myosin VA; minus strand). Cytogenetic location: 15q21.2.
Variant type: single nucleotide variant.
Coding change: c.3717C>T on transcript NM_001382347.1 (MANE Select); coding-DNA position 3717, C replaced by T.
Protein change: p.Ala1239=; no amino-acid change (alanine 1239 retained).
Molecular consequence: synonymous variant.
Genome position (GRCh38, 1-based): chr15:52,351,386, G>A on the plus strand (C>T on the coding strand, the complement: MYO5A is on the minus strand). VCF-style: chr15-52351386-G-A. GRCh37 (hg19) VCF-style: chr15-52643583-G-A.
Other names: c.3717C>T, p.Ala1239= (NM_000259.3, NM_001142495.2, NM_001411135.1); c.3789C>T, p.Ala1263= (NM_001382348.1, NM_001382349.1).
Identifiers: ClinVar variation 3250986 (VCV003250986.18), dbSNP rs2543622578.

ClinVar aggregate classification (germline): Likely benign (1 of 4 stars; one submission).

Submission:

CeGaT Center for Human Genetics Tuebingen
Classification: Likely benign. Last evaluated: 2024-06-01. Review status: criteria provided, single submitter. Criteria: CeGaT Center For Human Genetics Tuebingen Variant Classification Criteria Version 2. Collection method: clinical testing. Allele origin: germline. Affected: yes. Observed: 1 variant allele.
Comment: MYO5A: PM2:Supporting, BP4, BP7